The following is an entry in ClinVar:

NM_033380.3(COL4A5):c.4763del (p.Gln1588fs)

Gene: COL4A5 (collagen type IV alpha 5 chain; plus strand). Cytogenetic location: Xq22.3.
Variant type: Deletion.
Coding change: c.4763del on transcript NM_033380.3 (MANE Select); coding-DNA position 4763, one base deleted (A; older notation c.4763delA).
Protein change: p.Gln1588fs; shifts the reading frame from glutamine 1588.
Molecular consequence: frameshift variant.
Genome position (GRCh38, 1-based): chrX:108,694,863, A deleted. VCF-style (leftmost placement, unchanged base first): chrX-108694862-CA-C. GRCh37 (hg19) VCF-style: chrX-107938092-CA-C.
Other names: c.4745del, p.Gln1582fs (NM_000495.5); short protein forms Q1582fs, Q1588fs.
Identifiers: ClinVar variation 369963 (VCV000369963.3), dbSNP rs1057516203, ClinGen allele CA10654932.
Genomic context (GRCh38, chrX:108,694,862, plus strand): 5'-ACCAGATGTGCAGTATGTGAAGCTCCAGCTGTGGTGATCGCAGTTCACAGTCAGACGATC[CA>C]GATTCCCCATTGTCCTCAGGGATGGGATTCTCTGTGGATTGGTTATTCCTTCATGATGGT-3'

ClinVar aggregate classification (germline): Pathogenic. Review status: criteria provided, single submitter (1 of 4 stars). 2 submissions from 2 submitters: Pathogenic (1). 1 of the submissions does not count toward it. Last evaluated 2024-05-08.

Conditions:
X-linked Alport syndrome (ATS1). Also called: NEPHROPATHY AND DEAFNESS, X-LINKED; COL4A5-Related Nephropathy. Identifiers: Orphanet 63, Orphanet 88917, MedGen C4746986, MONDO:0010520, OMIM 301050.

Submissions (2):

Myriad Genetics, Inc.
Classification: Pathogenic for X-linked Alport syndrome. Last evaluated: 2024-05-08. Review status: criteria provided, single submitter. Criteria: Myriad Autosomal Dominant, Autosomal Recessive and X-Linked Classification Criteria (2023). Collection method: clinical testing. Allele origin: unknown.
Comment: NM_000495.4(COL4A5):c.4745delA(Q1582Rfs*19) is expected to be pathogenic in the context of X-linked Alport syndrome. This variant is predicted to lead to an abnormal or absent protein product due to the creation of a premature termination codon in COL4A5, a gene where loss-of-function variants are known to be pathogenic. Please note: this variant was assessed in the context of healthy population screening.

Bioscientia Institut fuer Medizinische Diagnostik GmbH, Sonic Healthcare
Classification: Pathogenic for X-linked Alport syndrome. Review status: no assertion criteria provided. Collection method: clinical testing. Allele origin: germline. Affected: yes. Not counted in ClinVar's aggregate classification.